The following is an entry in ClinVar:

ClinVar aggregate classification (germline): Uncertain significance (1 of 4 stars; one submission).

Conditions:
Compton-North congenital myopathy (CMYO12). Identifiers: Orphanet 210163, MedGen C2675527, MONDO:0012929, OMIM 612540.

Submission:

Labcorp Genetics (formerly Invitae), Labcorp
Classification: Uncertain significance for Compton-North congenital myopathy. Last evaluated: 2022-07-08. Review status: criteria provided, single submitter. Criteria: Invitae Variant Classification Sherloc (09022015). Collection method: clinical testing. Allele origin: germline.
Comment: In summary, the available evidence is currently insufficient to determine the role of this variant in disease. Therefore, it has been classified as a Variant of Uncertain Significance. Advanced modeling of protein sequence and biophysical properties (such as structural, functional, and spatial information, amino acid conservation, physicochemical variation, residue mobility, and thermodynamic stability) performed at Invitae indicates that this missense variant is not expected to disrupt CNTN1 protein function. This variant has not been reported in the literature in individuals affected with CNTN1-related conditions. This variant is not present in population databases (gnomAD no frequency). This sequence change replaces glycine, which is neutral and non-polar, with arginine, which is basic and polar, at codon 153 of the CNTN1 protein (p.Gly153Arg).

NM_001843.4(CNTN1):c.457G>C (p.Gly153Arg)

Gene: CNTN1 (contactin 1; plus strand). Cytogenetic location: 12q12.
Variant type: single nucleotide variant.
Coding change: c.457G>C on transcript NM_001843.4 (MANE Select); coding-DNA position 457, G replaced by C.
Protein change: p.Gly153Arg; replaces glycine 153 with arginine.
Molecular consequence: missense variant.
Genome position (GRCh38, 1-based): chr12:40,924,613, G>C. VCF-style: chr12-40924613-G-C. GRCh37 (hg19) VCF-style: chr12-41318415-G-C.
Other names: c.457G>C, p.Gly153Arg (NM_001256063.2, NM_001256064.2); c.424G>C, p.Gly142Arg (NM_175038.2); short protein forms G142R, G153R.
Identifiers: ClinVar variation 2015136 (VCV002015136.4), dbSNP rs2499383329, ClinGen allele CA384422344.